The following is an entry in ClinVar:

NM_199242.3(UNC13D):c.2242G>A (p.Ala748Thr)

Gene: UNC13D (unc-13 homolog D; minus strand). Cytogenetic location: 17q25.1.
Variant type: single nucleotide variant.
Coding change: c.2242G>A on transcript NM_199242.3 (MANE Select); coding-DNA position 2242, G replaced by A.
Protein change: p.Ala748Thr; replaces alanine 748 with threonine.
Molecular consequence: missense variant.
Genome position (GRCh38, 1-based): chr17:75,834,381, C>T on the plus strand (G>A on the coding strand, the complement: UNC13D is on the minus strand). VCF-style: chr17-75834381-C-T. GRCh37 (hg19) VCF-style: chr17-73830462-C-T.
Other names: short protein forms A748T.
Identifiers: ClinVar variation 325254 (VCV000325254.13), dbSNP rs200980507, ClinGen allele CA8772632.

ClinVar aggregate classification (germline): Uncertain significance. Review status: criteria provided, multiple submitters, no conflicts (2 of 4 stars). 5 submissions from 5 submitters: Uncertain significance (5). Last evaluated 2025-08-14.

Conditions:
Inborn genetic diseases. Identifiers: MedGen C0950123, MeSH D030342.
Familial hemophagocytic lymphohistiocytosis 3 (FHL3). Also called: UNC13D-Related Familial Hemophagocytic Lymphohistiocytosis (UNC13D-fHLH). Identifiers: Orphanet 540, MedGen C1837174, MONDO:0012146, OMIM 608898.

Allele frequency attached by ClinVar (database versions not stated): gnomAD exomes 0.00003 and 0.00007; ExAC 0.00010; gnomAD 0.00011 and 0.00014; TOPMed 0.00017; ESP Exome Variant Server 0.00023; 1000 Genomes Project 0.00060; 1000 Genomes Project 30x 0.00062.
gnomAD v4.1: 74 of 1,592,056 alleles (0.0046%); highest among the groups gnomAD compares: African/African-American, 0.047%; no homozygotes.

Submissions (5):

Ambry Genetics
Classification: Uncertain significance for Inborn genetic diseases. Last evaluated: 2025-08-14. Review status: criteria provided, single submitter. Criteria: Ambry Variant Classification Scheme 2023. Collection method: clinical testing. Allele origin: germline.

Labcorp Genetics (formerly Invitae), Labcorp
Classification: Uncertain significance for Familial hemophagocytic lymphohistiocytosis 3. Last evaluated: 2024-10-26. Review status: criteria provided, single submitter. Criteria: Invitae Variant Classification Sherloc (09022015). Collection method: clinical testing. Allele origin: germline.
Comment: This sequence change replaces alanine, which is neutral and non-polar, with threonine, which is neutral and polar, at codon 748 of the UNC13D protein (p.Ala748Thr). This variant is present in population databases (rs200980507, gnomAD 0.03%). This variant has not been reported in the literature in individuals affected with UNC13D-related conditions. ClinVar contains an entry for this variant (Variation ID: 325254). Invitae Evidence Modeling of protein sequence and biophysical properties (such as structural, functional, and spatial information, amino acid conservation, physicochemical variation, residue mobility, and thermodynamic stability) indicates that this missense variant is not expected to disrupt UNC13D protein function with a negative predictive value of 80%. In summary, the available evidence is currently insufficient to determine the role of this variant in disease. Therefore, it has been classified as a Variant of Uncertain Significance.

Blueprint Genetics
Classification: Uncertain significance. Last evaluated: 2023-07-18. Review status: criteria provided, single submitter. Criteria: ACMG Guidelines, 2015. Collection method: clinical testing. Allele origin: germline.

Illumina Laboratory Services, Illumina
Classification: Uncertain significance for Familial hemophagocytic lymphohistiocytosis 3. Last evaluated: 2018-01-13. Review status: criteria provided, single submitter. Criteria: ICSL Variant Classification Criteria 13 December 2019. Collection method: clinical testing. Allele origin: germline.

Breakthrough Genomics
Classification: Uncertain significance. Review status: criteria provided, single submitter. Criteria: ACMG Guidelines, 2015. Collection method: not provided. Allele origin: germline. Inheritance: Autosomal recessive inheritance. Affected: yes.